The following is an entry in ClinVar:

ClinVar aggregate classification (germline): Likely benign. Review status: criteria provided, multiple submitters, no conflicts (2 of 4 stars). 11 submissions from 11 submitters: Likely benign (9). 2 of the submissions do not count toward it. Last evaluated 2026-01-13.

Conditions:
Fanconi anemia, complementation group S (FANCS). Identifiers: MedGen C4554406, MONDO:0054748, OMIM 617883.
Hereditary cancer-predisposing syndrome. Also called: Tumor predisposition; Neoplastic Syndromes, Hereditary; Hereditary Cancer Syndrome; Hereditary neoplastic syndrome. Identifiers: Orphanet 140162, MedGen C0027672, MeSH D009386, MONDO:0015356.
Hereditary breast ovarian cancer syndrome. Also called: Hereditary breast and ovarian cancer syndrome (HBOC); Hereditary breast and ovarian cancer syndrome; Hereditary breast and ovarian cancer; Hereditary breast and/or ovarian cancer syndrome; Breast and ovarian cancer; BRCA1- and BRCA2-Associated Hereditary Breast and Ovarian Cancer. Identifiers: Orphanet 145, MedGen C0677776, MeSH D061325, MONDO:0003582. Disease mechanism: loss of function.
Breast-ovarian cancer, familial, susceptibility to, 1 (BROVCA1). Also called: OVARIAN CANCER, SUSCEPTIBILITY TO; BRCA1 Hereditary Breast and Ovarian Cancer. Identifiers: Orphanet 145, MedGen C2676676, MONDO:0011450, OMIM 604370. Disease mechanism: loss of function.

Allele frequency attached by ClinVar (database versions not stated): gnomAD 0.00001 and 0.00002; gnomAD exomes 0.00001 and 0.00002; ExAC 0.00002; TOPMed 0.00003.
gnomAD v4.1: 19 of 1,613,858 alleles (0.0012%); highest among the groups gnomAD compares: Middle Eastern, 0.033%; no homozygotes.

Submissions (11):

Labcorp Genetics (formerly Invitae), Labcorp
Classification: Likely benign for Hereditary breast ovarian cancer syndrome. Last evaluated: 2026-01-13. Review status: criteria provided, single submitter. Criteria: Invitae Variant Classification Sherloc (09022015). Collection method: clinical testing. Allele origin: germline.

Quest Diagnostics Nichols Institute San Juan Capistrano
Classification: Likely benign. Last evaluated: 2025-11-04. Review status: criteria provided, single submitter. Criteria: Quest Diagnostics criteria. Collection method: clinical testing. Allele origin: unknown.

Women's Health and Genetics/Laboratory Corporation of America, LabCorp
Classification: Likely benign. Last evaluated: 2025-02-28. Review status: criteria provided, single submitter. Criteria: LabCorp Variant Classification Summary - May 2015. Collection method: clinical testing. Allele origin: germline.
Comment: Variant summary: BRCA1 c.2935C>T (p.Arg979Cys) results in a non-conservative amino acid change in the encoded protein sequence. Four of five in-silico tools predict a benign effect of the variant on protein function. The variant allele was found at a frequency of 2.4e-05 in 251168 control chromosomes. The available data on variant occurrences in the general population are insufficient to allow any conclusion about variant significance. c.2935C>T has been reported in the literature in individuals affected with breast/ovarian cancer (e.g. Anczukow_2008, Judkins_2005) and has recently been classified as IARC class 1 (Benign) based upon the French national COVAR (cosegregation variant) study that utilized a multifactorial model combining different associations between VUSs and cancer, including cosegregation data (Caputo_2021). These report(s) do not provide unequivocal conclusions about association of the variant with Hereditary Breast And Ovarian Cancer Syndrome. At-least one co-occurrence with another pathogenic variant(s) have been reported in the UMD database (BRCA2 c.771_775delTCAAA, p.Asn257LysfsX17), providing supporting evidence for a benign role. To our knowledge, no experimental evidence demonstrating an impact on protein function has been reported. The following publications have been ascertained in the context of this evaluation (PMID: 16267036, 16518693, 24728327, 23704879, 23893897, 18273839, 31112341, 31294896, 34749799, 34597585). ClinVar contains an entry for this variant (Variation ID: 54727). Based on the evidence outlined above, the variant was classified as likely benign.

Blueprint Genetics
Classification: Likely benign. Last evaluated: 2023-03-29. Review status: criteria provided, single submitter. Criteria: ACMG Guidelines, 2015. Collection method: clinical testing. Allele origin: germline.

University of Washington Department of Laboratory Medicine, University of Washington
Classification: Likely benign for Hereditary cancer-predisposing syndrome. Last evaluated: 2023-03-23. Review status: criteria provided, single submitter. Criteria: Dines et al. (Genet Med. 2020). Collection method: curation. Allele origin: germline.
Comment: Missense variant in a coldspot region where missense variants are very unlikely to be pathogenic (PMID:31911673).

BRCA1 coldspot (exon 11 using historical exon numbering). Reclassification based on statistical prior probability

Department of Pathology and Laboratory Medicine, Sinai Health System
Classification: Likely benign for Fanconi anemia, complementation group S. Last evaluated: 2021-09-28. Review status: criteria provided, single submitter. Criteria: ACMG Guidelines, 2015. Collection method: clinical testing. Allele origin: germline.

Ambry Genetics
Classification: Likely benign for Hereditary cancer-predisposing syndrome. Last evaluated: 2019-08-14. Review status: criteria provided, single submitter. Criteria: Ambry Variant Classification Scheme 2023. Collection method: clinical testing. Allele origin: germline.

GeneDx
Classification: Likely benign. Last evaluated: 2017-08-24. Review status: criteria provided, single submitter. Criteria: GeneDx Variant Classification (06012015). Collection method: clinical testing. Allele origin: germline. Affected: yes.
Comment: This variant is considered likely benign or benign based on one or more of the following criteria: it is a conservative change, it occurs at a poorly conserved position in the protein, it is predicted to be benign by multiple in silico algorithms, and/or has population frequency not consistent with disease.

Color Diagnostics, LLC DBA Color Health
Classification: Likely benign for Hereditary cancer-predisposing syndrome. Last evaluated: 2016-09-07. Review status: criteria provided, single submitter. Criteria: ACMG Guidelines, 2015. Collection method: clinical testing. Allele origin: germline.

Sharing Clinical Reports Project (SCRP)
Classification: Likely benign for Breast-ovarian cancer, familial 1. Last evaluated: 2012-02-09. Review status: no assertion criteria provided. Collection method: clinical testing. Allele origin: germline. Not counted in ClinVar's aggregate classification.

Breast Cancer Information Core (BIC) (BRCA1)
Classification: Uncertain significance for Breast-ovarian cancer, familial 1. Last evaluated: 2002-05-29. Review status: no assertion criteria provided. Collection method: clinical testing. Allele origin: germline. Affected: yes. Observed: 3 variant alleles. Not counted in ClinVar's aggregate classification.

Literature cited by the submitters: PubMed 34694888 (cited by Quest Diagnostics Nichols Institute San Juan Capistrano); PubMed 39402389 (cited by Quest Diagnostics Nichols Institute San Juan Capistrano); PubMed 38153744 (cited by Quest Diagnostics Nichols Institute San Juan Capistrano); PubMed 34235180 (cited by Quest Diagnostics Nichols Institute San Juan Capistrano); PubMed 31911673 (cited by Quest Diagnostics Nichols Institute San Juan Capistrano); PubMed 34597585 (cited by Quest Diagnostics Nichols Institute San Juan Capistrano and Women's Health and Genetics/Laboratory Corporation of America, LabCorp); PubMed 34749799 (cited by Quest Diagnostics Nichols Institute San Juan Capistrano and Women's Health and Genetics/Laboratory Corporation of America, LabCorp); PubMed 31294896 (cited by Quest Diagnostics Nichols Institute San Juan Capistrano and Women's Health and Genetics/Laboratory Corporation of America, LabCorp); PubMed 23893897 (cited by Quest Diagnostics Nichols Institute San Juan Capistrano and Women's Health and Genetics/Laboratory Corporation of America, LabCorp); PubMed 33471991 (cited by Quest Diagnostics Nichols Institute San Juan Capistrano); PubMed 31131967 (cited by Quest Diagnostics Nichols Institute San Juan Capistrano); PubMed 18273839 (cited by Quest Diagnostics Nichols Institute San Juan Capistrano and Women's Health and Genetics/Laboratory Corporation of America, LabCorp); PubMed 16267036 (cited by Quest Diagnostics Nichols Institute San Juan Capistrano and Women's Health and Genetics/Laboratory Corporation of America, LabCorp); PubMed 16518693 (cited by Quest Diagnostics Nichols Institute San Juan Capistrano and Women's Health and Genetics/Laboratory Corporation of America, LabCorp); PubMed 15385441 (cited by Quest Diagnostics Nichols Institute San Juan Capistrano); PubMed 23704879 (cited by Quest Diagnostics Nichols Institute San Juan Capistrano and Women's Health and Genetics/Laboratory Corporation of America, LabCorp); PubMed 24728327 (cited by Women's Health and Genetics/Laboratory Corporation of America, LabCorp and Department of Pathology and Laboratory Medicine, Sinai Health System); PubMed 31112341 (cited by Women's Health and Genetics/Laboratory Corporation of America, LabCorp).

NM_007294.4(BRCA1):c.2935C>T (p.Arg979Cys)

Gene: BRCA1 (BRCA1 DNA repair associated; minus strand). Cytogenetic location: 17q21.31.
Variant type: single nucleotide variant.
Coding change: c.2935C>T on transcript NM_007294.4 (MANE Select); coding-DNA position 2935, C replaced by T.
Protein change: p.Arg979Cys; replaces arginine 979 with cysteine.
Molecular consequence: missense variant. On other transcripts: intron variant (137).
Genome position (GRCh38, 1-based): chr17:43,092,596, G>A on the plus strand (C>T on the coding strand, the complement: BRCA1 is on the minus strand). VCF-style: chr17-43092596-G-A. GRCh37 (hg19) VCF-style: chr17-41244613-G-A.
Other names: 3054C>T; c.2722C>T, p.Arg908Cys (NM_001407571.1, NM_001407853.1, NM_001407894.1 and 9 more transcripts); c.2935C>T, p.Arg979Cys (NM_001407581.1, NM_001407582.1, NM_001407583.1 and 30 more transcripts); c.2932C>T, p.Arg978Cys (NM_001407587.1, NM_001407590.1, NM_001407591.1 and 22 more transcripts); c.2926C>T, p.Arg976Cys (NM_001407646.1, NM_001407647.1); c.2812C>T, p.Arg938Cys (NM_001407648.1, NM_001407664.1, NM_001407665.1 and 19 more transcripts); c.2809C>T, p.Arg937Cys (NM_001407649.1, NM_001407670.1, NM_001407671.1 and 11 more transcripts); c.2857C>T, p.Arg953Cys (NM_001407653.1, NM_001407654.1, NM_001407655.1 and 4 more transcripts); and 42 more; short protein forms R979C, R932C, R851C, R891C, R911C, R931C, R937C, R852C.
Identifiers: ClinVar variation 54727 (VCV000054727.27), dbSNP rs80356970, ClinGen allele CA001917.